The following is an entry in ClinVar:

ClinVar aggregate classification (germline): Pathogenic (1 of 4 stars; one submission).

Conditions:
Cystic fibrosis (CF). Also called: MUCOVISCIDOSIS. Identifiers: Orphanet 586, MedGen C0010674, MONDO:0009061, OMIM 219700. Disease mechanism: loss of function.

Submission:

Institute of Human Genetics, University of Leipzig Medical Center
Classification: Pathogenic for Cystic fibrosis. Last evaluated: 2022-09-05. Review status: criteria provided, single submitter. Criteria: ACMG Guidelines, 2015. Collection method: curation. Allele origin: unknown. Affected: yes. Observed: 2 variant alleles.
Comment: This variant was identified in 2 unrelated patients with a clinically confirmed diagnosis of cystic fibrosis. The variant was classified in the context of a project re-classifying variants in the German Cystic Fibrosis Registry (Muko.e.V.). Criteria applied: PVS1, PM2_SUP, PP4

NM_000492.4:c.(4136+1_4137-1)_(4242+1_4243-1)del

Gene: CFTR (CF transmembrane conductance regulator; plus strand).
Variant type: Deletion.
Other names: CFTRdele23; c.(4136+1_4137-1)_(4242+1_4243-1)del (NM_000492.4).
Identifiers: ClinVar variation 1706034 (VCV001706034.1).